The following is an entry in ClinVar:

ClinVar aggregate classification (germline): Benign (1 of 4 stars; one submission).

Allele frequency attached by ClinVar (database versions not stated): 1000 Genomes Project 30x 0.02733; 1000 Genomes Project 0.02915; TOPMed 0.05271; gnomAD 0.06204 and 0.06432.
gnomAD v4.1: 9,471 of 152,242 alleles (6.2%); highest among the groups gnomAD compares: Non-Finnish European, 9.6%; 426 homozygotes.

Submission:

GeneDx
Classification: Benign. Last evaluated: 2018-06-14. Review status: criteria provided, single submitter. Criteria: GeneDx Variant Classification (06012015). Collection method: clinical testing. Allele origin: germline. Affected: yes.
Comment: This variant is considered likely benign or benign based on one or more of the following criteria: it is a conservative change, it occurs at a poorly conserved position in the protein, it is predicted to be benign by multiple in silico algorithms, and/or has population frequency not consistent with disease.

NM_000168.6(GLI3):c.1497+256C>T

Gene: GLI3 (GLI family zinc finger 3; minus strand). Cytogenetic location: 7p14.1.
Variant type: single nucleotide variant.
Coding change: c.1497+256C>T on transcript NM_000168.6 (MANE Select); 256 bases into the intron after coding-DNA position 1497, C replaced by T.
Molecular consequence: intron variant.
Genome position (GRCh38, 1-based): chr7:42,023,212, G>A on the plus strand (C>T on the coding strand, the complement: GLI3 is on the minus strand). VCF-style: chr7-42023212-G-A. GRCh37 (hg19) VCF-style: chr7-42062811-G-A.
Identifiers: ClinVar variation 669615 (VCV000669615.1), dbSNP rs10248828, ClinGen allele CA156891789.